The following is an entry in ClinVar:

ClinVar aggregate classification (germline): Uncertain significance (1 of 4 stars; one submission).

Allele frequency attached by ClinVar (database versions not stated): gnomAD exomes below 0.00001 and 0.00001; ExAC 0.00001.
gnomAD v4.1: 3 of 1,614,084 alleles (0.00019%); highest among the groups gnomAD compares: Non-Finnish European, 0.00025%; no homozygotes.

Submission:

Labcorp Genetics (formerly Invitae), Labcorp
Classification: Uncertain significance. Last evaluated: 2020-07-08. Review status: criteria provided, single submitter. Criteria: Invitae Variant Classification Sherloc (09022015). Collection method: clinical testing. Allele origin: germline.
Comment: In summary, the available evidence is currently insufficient to determine the role of this variant in disease. Therefore, it has been classified as a Variant of Uncertain Significance. Algorithms developed to predict the effect of missense changes on protein structure and function are either unavailable or do not agree on the potential impact of this missense change (SIFT: "Deleterious"; PolyPhen-2: "Probably Damaging"; Align-GVGD: "Class C0"). This variant has not been reported in the literature in individuals with SCN3A-related conditions. This variant is present in population databases (rs770743040, ExAC 0.001%). This sequence change replaces arginine with cysteine at codon 1633 of the SCN3A protein (p.Arg1633Cys). The arginine residue is moderately conserved and there is a large physicochemical difference between arginine and cysteine.

NM_006922.4(SCN3A):c.4897C>T (p.Arg1633Cys)

Gene: SCN3A (sodium voltage-gated channel alpha subunit 3; minus strand). Cytogenetic location: 2q24.3.
Variant type: single nucleotide variant.
Coding change: c.4897C>T on transcript NM_006922.4 (MANE Select); coding-DNA position 4897, C replaced by T.
Protein change: p.Arg1633Cys; replaces arginine 1633 with cysteine.
Molecular consequence: missense variant.
Genome position (GRCh38, 1-based): chr2:165,091,256, G>A on the plus strand (C>T on the coding strand, the complement: SCN3A is on the minus strand). VCF-style: chr2-165091256-G-A. GRCh37 (hg19) VCF-style: chr2-165947766-G-A.
Other names: c.4750C>T, p.Arg1584Cys (NM_001081676.2, NM_001081677.2); short protein forms R1584C, R1633C.
Identifiers: ClinVar variation 1064341 (VCV001064341.9), dbSNP rs770743040, ClinGen allele CA1938473.
Genomic context (GRCh38, chr2:165,091,256, plus strand): 5'-GAAGGGACATCATCAAAGCAAAGAGCAGCGTGCGGATCCCCTTTGCTCCTTTGATCAGAC[G>A]TAGGATTCGGCCAATCCTGGCAAGACGGATCACTCGGAACAAGGTAGGGGACACAAAATA-3'
Protein context (NP_008853.3, residues 1623-1643): IRLARIGRIL[Arg1633Cys]LIKGAKGIRT